The following is an entry in ClinVar:

ClinVar aggregate classification (germline): Benign (1 of 4 stars; one submission).

Submission:

CeGaT Center for Human Genetics Tuebingen
Classification: Benign. Last evaluated: 2022-08-01. Review status: criteria provided, single submitter. Criteria: CeGaT Center For Human Genetics Tuebingen Variant Classification Criteria Version 2. Collection method: clinical testing. Allele origin: germline. Affected: yes. Observed: 1 variant allele.
Comment: HCN4: BS1, BS2

NC_000015.10:g.73377771G>C

Genes: HCN4 (hyperpolarization activated cyclic nucleotide gated potassium channel 4; minus strand), LOC110121492 (VISTA enhancer hs2161; plus strand). Cytogenetic location: 15q24.1.
Variant type: single nucleotide variant.
Genome position: GRCh38 VCF-style: chr15-73377771-G-C. GRCh37 (hg19) VCF-style: chr15-73670112-G-C.
Identifiers: ClinVar variation 2645529 (VCV002645529.24), dbSNP rs1445980665, ClinGen allele CA619079458.
Genomic context (GRCh38, chr15:73,377,771, plus strand): 5'-TAGAGGCTGTGACAGAGGCTGTGACAGAGACTGTGACAGGGACTGTGACAGAGGCTGTGA[G>C]AGAGGCTGTGACAGAGGCTGTGACAGAGGCTGTGATAGAGACTGTGACAGGGGCTGTGAC-3'